The following is an entry in ClinVar:

NM_005477.3(HCN4):c.605C>G (p.Pro202Arg)

Gene: HCN4 (hyperpolarization activated cyclic nucleotide gated potassium channel 4; minus strand). Cytogenetic location: 15q24.1.
Variant type: single nucleotide variant.
Coding change: c.605C>G on transcript NM_005477.3 (MANE Select); coding-DNA position 605, C replaced by G.
Protein change: p.Pro202Arg; replaces proline 202 with arginine.
Molecular consequence: missense variant.
Genome position (GRCh38, 1-based): chr15:73,367,666, G>C on the plus strand (C>G on the coding strand, the complement: HCN4 is on the minus strand). VCF-style: chr15-73367666-G-C. GRCh37 (hg19) VCF-style: chr15-73660007-G-C.
Other names: short protein forms P202R.
Identifiers: ClinVar variation 4737222 (VCV004737222.1).

ClinVar aggregate classification (germline): Uncertain significance (1 of 4 stars; one submission).

Conditions:
Brugada syndrome 8 (BRGDA8). Identifiers: Orphanet 130, MedGen C2751083, MONDO:0013148, OMIM 613123.

gnomAD v4.1: 2 of 1,606,910 alleles (0.00012%); highest among the groups gnomAD compares: Non-Finnish European, 0.00017%; no homozygotes.

Submission:

Labcorp Genetics (formerly Invitae), Labcorp
Classification: Uncertain significance for Brugada syndrome 8. Last evaluated: 2025-03-19. Review status: criteria provided, single submitter. Criteria: Invitae Variant Classification Sherloc (09022015). Collection method: clinical testing. Allele origin: germline.
Comment: This sequence change replaces proline, which is neutral and non-polar, with arginine, which is basic and polar, at codon 202 of the HCN4 protein (p.Pro202Arg). This variant is not present in population databases (gnomAD no frequency). This variant has not been reported in the literature in individuals affected with HCN4-related conditions. Invitae Evidence Modeling of protein sequence and biophysical properties (such as structural, functional, and spatial information, amino acid conservation, physicochemical variation, residue mobility, and thermodynamic stability) has been performed for this missense variant. However, the output from this modeling did not meet the statistical confidence thresholds required to predict the impact of this variant on HCN4 protein function. In summary, the available evidence is currently insufficient to determine the role of this variant in disease. Therefore, it has been classified as a Variant of Uncertain Significance.